The following is an entry in ClinVar:

NM_006059.4(LAMC3):c.2578G>A (p.Ala860Thr)

Gene: LAMC3 (laminin subunit gamma 3; plus strand). Cytogenetic location: 9q34.12.
Variant type: single nucleotide variant.
Coding change: c.2578G>A on transcript NM_006059.4 (MANE Select); coding-DNA position 2578, G replaced by A.
Protein change: p.Ala860Thr; replaces alanine 860 with threonine.
Molecular consequence: missense variant.
Genome position (GRCh38, 1-based): chr9:131,067,190, G>A. VCF-style: chr9-131067190-G-A. GRCh37 (hg19) VCF-style: chr9-133942577-G-A.
Other names: short protein forms A860T.
Identifiers: ClinVar variation 1437346 (VCV001437346.3), dbSNP rs369490493, ClinGen allele CA5287479.

ClinVar aggregate classification (germline): Uncertain significance (1 of 4 stars; one submission).

Allele frequency attached by ClinVar (database versions not stated): gnomAD 0.00002; ExAC 0.00003; TOPMed 0.00003; gnomAD exomes 0.00004; ESP Exome Variant Server 0.00008.
gnomAD v4.1: 80 of 1,613,796 alleles (0.005%); highest among the groups gnomAD compares: Middle Eastern, 0.016%; no homozygotes.

Submission:

Labcorp Genetics (formerly Invitae), Labcorp
Classification: Uncertain significance. Last evaluated: 2022-04-28. Review status: criteria provided, single submitter. Criteria: Invitae Variant Classification Sherloc (09022015). Collection method: clinical testing. Allele origin: germline.
Comment: This sequence change replaces alanine, which is neutral and non-polar, with threonine, which is neutral and polar, at codon 860 of the LAMC3 protein (p.Ala860Thr). This variant is present in population databases (rs369490493, gnomAD 0.01%). This variant has not been reported in the literature in individuals affected with LAMC3-related conditions. Algorithms developed to predict the effect of missense changes on protein structure and function output the following: SIFT: "Tolerated"; PolyPhen-2: "Benign"; Align-GVGD: "Class C0". The threonine amino acid residue is found in multiple mammalian species, which suggests that this missense change does not adversely affect protein function. In summary, the available evidence is currently insufficient to determine the role of this variant in disease. Therefore, it has been classified as a Variant of Uncertain Significance.